The following is an entry in ClinVar:

NM_004320.6(ATP2A1):c.2744+4G>A

Gene: ATP2A1 (ATPase sarcoplasmic/endoplasmic reticulum Ca2+ transporting 1; plus strand). Cytogenetic location: 16p11.2.
Variant type: single nucleotide variant.
Coding change: c.2744+4G>A on transcript NM_004320.6 (MANE Select); 4 bases into the intron after coding-DNA position 2744, G replaced by A.
Molecular consequence: intron variant.
Genome position (GRCh38, 1-based): chr16:28,902,915, G>A. VCF-style: chr16-28902915-G-A. GRCh37 (hg19) VCF-style: chr16-28914236-G-A.
Other names: c.2744+4G>A (NM_173201.5); c.2369+4G>A (NM_001286075.2).
Identifiers: ClinVar variation 2153075 (VCV002153075.7), dbSNP rs750019298, ClinGen allele CA7987366.

ClinVar aggregate classification (germline): Uncertain significance. Review status: criteria provided, multiple submitters, no conflicts (2 of 4 stars). 2 submissions from 2 submitters: Uncertain significance (2). Last evaluated 2025-11-01.

Conditions:
Brody myopathy. Also called: BRODY DISEASE. Identifiers: Orphanet 53347, MedGen C1832918, MONDO:0010977, OMIM 601003.

Allele frequency attached by ClinVar (database versions not stated): TOPMed 0.00001; gnomAD exomes 0.00002; ExAC 0.00003.
gnomAD v4.1: 32 of 1,613,632 alleles (0.002%); highest among the groups gnomAD compares: Non-Finnish European, 0.0026%; no homozygotes.

Submissions (2):

CeGaT Center for Human Genetics Tuebingen
Classification: Uncertain significance. Last evaluated: 2025-11-01. Review status: criteria provided, single submitter. Criteria: CeGaT Center For Human Genetics Tuebingen Variant Classification Criteria Version 2. Collection method: clinical testing. Allele origin: germline. Affected: yes. Observed: 1 variant allele.
Comment: ATP2A1: PM2, BP4

Labcorp Genetics (formerly Invitae), Labcorp
Classification: Uncertain significance for Brody myopathy. Last evaluated: 2022-04-22. Review status: criteria provided, single submitter. Criteria: Invitae Variant Classification Sherloc (09022015). Collection method: clinical testing. Allele origin: germline.
Comment: This sequence change falls in intron 19 of the ATP2A1 gene. It does not directly change the encoded amino acid sequence of the ATP2A1 protein. It affects a nucleotide within the consensus splice site. This variant is present in population databases (rs750019298, gnomAD 0.01%). This variant has not been reported in the literature in individuals affected with ATP2A1-related conditions. Variants that disrupt the consensus splice site are a relatively common cause of aberrant splicing (PMID: 17576681, 9536098). Algorithms developed to predict the effect of sequence changes on RNA splicing suggest that this variant is not likely to affect RNA splicing. In summary, the available evidence is currently insufficient to determine the role of this variant in disease. Therefore, it has been classified as a Variant of Uncertain Significance.

Literature cited by the submitters: PubMed 17576681 (cited by Labcorp Genetics (formerly Invitae), Labcorp); PubMed 9536098 (cited by Labcorp Genetics (formerly Invitae), Labcorp).